The following is an entry in ClinVar:

NM_001851.6(COL9A1):c.2754G>A (p.Gly918=)

Gene: COL9A1 (collagen type IX alpha 1 chain; minus strand). Cytogenetic location: 6q13.
Variant type: single nucleotide variant.
Coding change: c.2754G>A on transcript NM_001851.6 (MANE Select); coding-DNA position 2754, G replaced by A.
Protein change: p.Gly918=; no amino-acid change (glycine 918 retained).
Molecular consequence: synonymous variant. On other transcripts: non-coding transcript variant (1).
Genome position (GRCh38, 1-based): chr6:70,216,909, C>T on the plus strand (G>A on the coding strand, the complement: COL9A1 is on the minus strand). VCF-style: chr6-70216909-C-T. GRCh37 (hg19) VCF-style: chr6-70926612-C-T.
Other names: c.2754G>A (NM_001851.4); c.2055G>A, p.Gly685= (NM_001377289.1); c.1878G>A, p.Gly626= (NM_001377290.1); c.2025G>A, p.Gly675= (NM_078485.4).
Identifiers: ClinVar variation 1153949 (VCV001153949.12), dbSNP rs373430094, ClinGen allele CA3881685.

ClinVar aggregate classification (germline): Likely benign. Review status: criteria provided, multiple submitters, no conflicts (2 of 4 stars). 3 submissions from 3 submitters: Likely benign (2). 1 of the submissions does not count toward it. Last evaluated 2025-08-31.

Conditions:
COL9A1-related disorder. Also called: COL9A1-related condition; COL9A1-related disorders.

Allele frequency attached by ClinVar (database versions not stated): ExAC 0.00003; gnomAD exomes 0.00003; ESP Exome Variant Server 0.00008; gnomAD 0.00011 and 0.00012; TOPMed 0.00017.

Submissions (3):

Labcorp Genetics (formerly Invitae), Labcorp
Classification: Likely benign. Last evaluated: 2025-08-31. Review status: criteria provided, single submitter. Criteria: Invitae Variant Classification Sherloc (09022015). Collection method: clinical testing. Allele origin: germline.

Blueprint Genetics
Classification: Likely benign. Last evaluated: 2022-03-27. Review status: criteria provided, single submitter. Criteria: ACMG Guidelines, 2015. Collection method: clinical testing. Allele origin: germline.

PreventionGenetics, part of Exact Sciences
Classification: Likely benign for COL9A1-related condition. Last evaluated: 2020-02-18. Review status: no assertion criteria provided. Collection method: clinical testing. Allele origin: germline. Not counted in ClinVar's aggregate classification.
Comment: This variant is classified as likely benign based on ACMG/AMP sequence variant interpretation guidelines (Richards et al. 2015 PMID: 25741868, with internal and published modifications).